The following is an entry in ClinVar:

NM_022455.5(NSD1):c.1368_1423dup (p.Cys475fs)

Gene: NSD1 (nuclear receptor binding SET domain protein 1; plus strand). Cytogenetic location: 5q35.3.
Variant type: Duplication.
Coding change: c.1368_1423dup on transcript NM_022455.5 (MANE Select); coding-DNA positions 1368 to 1423, 56 bases duplicated.
Protein change: p.Cys475fs; shifts the reading frame from cysteine 475.
Molecular consequence: frameshift variant.
Genome position (GRCh38, 1-based): chr5:177,209,767-177,209,822, 56 bases duplicated. GRCh37 (hg19): chr5:176,636,768-176,636,823.
Other names: c.495_550dup, p.Cys184fs (NM_001365684.2, NM_001409306.1, NM_001409307.1 and 3 more transcripts); c.1368_1423dup, p.Cys475fs (NM_001409301.1, NM_001409302.1, NM_001409303.1); c.948_1003dup, p.Cys335fs (NM_001409304.1); c.615_670dup, p.Cys224fs (NM_001409305.1); short protein forms C184fs, C224fs, C335fs, C475fs.
Identifiers: ClinVar variation 3691861 (VCV003691861.2).

ClinVar aggregate classification (germline): Pathogenic (1 of 4 stars; one submission).

Submission:

Labcorp Genetics (formerly Invitae), Labcorp
Classification: Pathogenic. Last evaluated: 2023-01-07. Review status: criteria provided, single submitter. Criteria: Invitae Variant Classification Sherloc (09022015). Collection method: clinical testing. Allele origin: germline.
Comment: For these reasons, this variant has been classified as Pathogenic. This variant has not been reported in the literature in individuals affected with NSD1-related conditions. This variant is not present in population databases (gnomAD no frequency). This sequence change creates a premature translational stop signal (p.Cys475Tyrfs*21) in the NSD1 gene. It is expected to result in an absent or disrupted protein product. Loss-of-function variants in NSD1 are known to be pathogenic (PMID: 12464997, 14571271, 15942875, 16247291).

Literature cited by the submitters: PubMed 12464997; PubMed 14571271; PubMed 15942875; PubMed 16247291.